The following is an entry in ClinVar:

NM_004320.6(ATP2A1):c.2203C>A (p.Leu735Met)

Gene: ATP2A1 (ATPase sarcoplasmic/endoplasmic reticulum Ca2+ transporting 1; plus strand). Cytogenetic location: 16p11.2.
Variant type: single nucleotide variant.
Coding change: c.2203C>A on transcript NM_004320.6 (MANE Select); coding-DNA position 2203, C replaced by A.
Protein change: p.Leu735Met; replaces leucine 735 with methionine.
Molecular consequence: missense variant.
Genome position (GRCh38, 1-based): chr16:28,901,965, C>A. VCF-style: chr16-28901965-C-A. GRCh37 (hg19) VCF-style: chr16-28913286-C-A.
Other names: c.1828C>A, p.Leu610Met (NM_001286075.2); c.2203C>A, p.Leu735Met (NM_173201.5); short protein forms L610M, L735M.
Identifiers: ClinVar variation 2646355 (VCV002646355.24), dbSNP rs2506353967, ClinGen allele CA395412927.
Genomic context (GRCh38, chr16:28,901,965, plus strand): 5'-GAGATTGGCATTGCCATGGGATCTGGCACTGCCGTGGCCAAGACTGCCTCTGAGATGGTG[C>A]TGGCTGACGACAACTTCTCCACCATCGTAGCTGCTGTGGAGGAGGGCCGCGCCATCTACA-3'
Protein context (NP_004311.1, residues 725-745): AVAKTASEMV[Leu735Met]ADDNFSTIVA

ClinVar aggregate classification (germline): Uncertain significance (1 of 4 stars; one submission).

Submission:

CeGaT Center for Human Genetics Tuebingen
Classification: Uncertain significance. Last evaluated: 2022-09-01. Review status: criteria provided, single submitter. Criteria: CeGaT Center For Human Genetics Tuebingen Variant Classification Criteria Version 2. Collection method: clinical testing. Allele origin: germline. Affected: yes. Observed: 1 variant allele.
Comment: ATP2A1: PM2, PP3